The following is an entry in ClinVar:

NM_001267550.2(TTN):c.92992G>A (p.Val30998Met)

Genes: TTN (titin; minus strand), TTN-AS1 (TTN antisense RNA 1; plus strand). Cytogenetic location: 2q31.2.
Variant type: single nucleotide variant.
Coding change: c.92992G>A on transcript NM_001267550.2 (MANE Select); coding-DNA position 92992, G replaced by A.
Protein change: p.Val30998Met; replaces valine 30998 with methionine.
Molecular consequence: missense variant.
Genome position (GRCh38, 1-based): chr2:178,548,634, C>T on the plus strand (G>A on the coding strand, the complement: TTN is on the minus strand). VCF-style: chr2-178548634-C-T. GRCh37 (hg19) VCF-style: chr2-179413361-C-T.
Other names: c.88069G>A, p.Val29357Met (NM_001256850.1); c.65797G>A, p.Val21933Met (NM_003319.4); c.85288G>A, p.Val28430Met (NM_133378.4); c.66172G>A, p.Val22058Met (NM_133432.3); c.66373G>A, p.Val22125Met (NM_133437.4); short protein forms V21933M, V22058M, V22125M, V28430M, V29357M, V30998M.
Identifiers: ClinVar variation 2636360 (VCV002636360.1), dbSNP rs766129755, ClinGen allele CA1987370.

ClinVar aggregate classification (germline): Uncertain significance (1 of 4 stars; one submission).

Conditions:
TTN-related disorder. Also called: TTN-related condition; TTN-related disease; TTN-related disorders.

Allele frequency attached by ClinVar (database versions not stated): gnomAD exomes below 0.00001; gnomAD 0.00001; ExAC 0.00002.
gnomAD v4.1: 7 of 1,613,748 alleles (0.00043%); highest among the groups gnomAD compares: South Asian, 0.0077%; no homozygotes.

Submission:

PreventionGenetics, part of Exact Sciences
Classification: Uncertain significance for TTN-related condition. Last evaluated: 2022-09-07. Review status: criteria provided, single submitter. Criteria: ACMG Guidelines, 2015. Collection method: clinical testing. Allele origin: germline.
Comment: The TTN c.92992G>A variant is predicted to result in the amino acid substitution p.Val30998Met. To our knowledge, this variant has not been reported in the literature. This variant is reported in 0.013% of alleles in individuals of South Asian descent in gnomAD. At this time, the clinical significance of this variant is uncertain due to the absence of conclusive functional and genetic evidence.